The following is an entry in ClinVar:

ClinVar aggregate classification (germline): Uncertain significance (1 of 4 stars; one submission).

Conditions:
Arrhythmogenic right ventricular dysplasia 8 (ARVD8). Also called: Arrhythmogenic Right Ventricular Dysplasia/Cardiomyopathy 8; ARRHYTHMOGENIC RIGHT VENTRICULAR DYSPLASIA, FAMILIAL, 8; ARRHYTHMOGENIC RIGHT VENTRICULAR CARDIOMYOPATHY 8. Identifiers: MedGen C1843896, MONDO:0011831, OMIM 607450.
Arrhythmogenic cardiomyopathy with wooly hair and keratoderma. Also called: PALMOPLANTAR KERATODERMA WITH LEFT VENTRICULAR CARDIOMYOPATHY AND WOOLLY HAIR; Carvajal syndrome; Dilated cardiomyopathy with woolly hair and keratoderma; Arrhythmogenic cardiomyopathy with woolly hair and keratoderma. Identifiers: Orphanet 65282, MedGen C1854063, MONDO:0011581, OMIM 605676.

Submission:

Labcorp Genetics (formerly Invitae), Labcorp
Classification: Uncertain significance for Arrhythmogenic cardiomyopathy with wooly hair and keratoderma; Arrhythmogenic right ventricular dysplasia 8. Last evaluated: 2024-08-28. Review status: criteria provided, single submitter. Criteria: Invitae Variant Classification Sherloc (09022015). Collection method: clinical testing. Allele origin: germline.
Comment: This sequence change replaces lysine, which is basic and polar, with asparagine, which is neutral and polar, at codon 423 of the DSP protein (p.Lys423Asn). This variant is not present in population databases (gnomAD no frequency). This variant has not been reported in the literature in individuals affected with DSP-related conditions. An algorithm developed to predict the effect of missense changes on protein structure and function (PolyPhen-2) suggests that this variant is likely to be tolerated. In summary, the available evidence is currently insufficient to determine the role of this variant in disease. Therefore, it has been classified as a Variant of Uncertain Significance.

NM_004415.4(DSP):c.1269A>C (p.Lys423Asn)

Gene: DSP (desmoplakin; plus strand). Cytogenetic location: 6p24.3.
Variant type: single nucleotide variant.
Coding change: c.1269A>C on transcript NM_004415.4 (MANE Select); coding-DNA position 1269, A replaced by C.
Protein change: p.Lys423Asn; replaces lysine 423 with asparagine.
Molecular consequence: missense variant.
Genome position (GRCh38, 1-based): chr6:7,568,439, A>C. VCF-style: chr6-7568439-A-C. GRCh37 (hg19) VCF-style: chr6-7568672-A-C.
Other names: c.1269A>C, p.Lys423Asn (NM_001008844.3, NM_001319034.2, NM_001406591.1); short protein forms K423N.
Identifiers: ClinVar variation 3751337 (VCV003751337.2).